The following is an entry in ClinVar:

NM_004304.5(ALK):c.645T>C (p.Leu215=)

Gene: ALK (ALK receptor tyrosine kinase; minus strand). Cytogenetic location: 2p23.1.
Variant type: single nucleotide variant.
Coding change: c.645T>C on transcript NM_004304.5 (MANE Select); coding-DNA position 645, T replaced by C.
Protein change: p.Leu215=; no amino-acid change (leucine 215 retained).
Molecular consequence: synonymous variant.
Genome position (GRCh38, 1-based): chr2:29,920,015, A>G on the plus strand (T>C on the coding strand, the complement: ALK is on the minus strand). VCF-style: chr2-29920015-A-G. GRCh37 (hg19) VCF-style: chr2-30142881-A-G.
Other names: p.Leu215=.
Identifiers: ClinVar variation 239848 (VCV000239848.25), dbSNP rs115392387, ClinGen allele CA1594928.

ClinVar aggregate classification (germline): Benign/Likely benign. Review status: criteria provided, multiple submitters, no conflicts (2 of 4 stars). 10 submissions from 10 submitters: Benign (8); Likely benign (1). 1 of the submissions does not count toward it. Last evaluated 2026-02-03.

Conditions:
Hereditary cancer-predisposing syndrome. Also called: Neoplastic Syndromes, Hereditary; Tumor predisposition; Hereditary neoplastic syndrome; Hereditary Cancer Syndrome. Identifiers: Orphanet 140162, MedGen C0027672, MeSH D009386, MONDO:0015356.
ALK-related disorder. Also called: ALK-related condition.
Neuroblastoma, susceptibility to, 3. Also called: ALK-Related Neuroblastic Tumor Susceptibility. Identifiers: Orphanet 635, MedGen C2751681, MONDO:0013083, OMIM 613014.

Allele frequency attached by ClinVar (database versions not stated): gnomAD exomes 0.00084 and 0.00214; ExAC 0.00286; gnomAD 0.00816 and 0.00889; TOPMed 0.00917; ESP Exome Variant Server 0.00946; 1000 Genomes Project 0.00958; 1000 Genomes Project 30x 0.00999.
gnomAD v4.1: 2,523 of 1,613,982 alleles (0.16%); highest among the groups gnomAD compares: African/African-American, 3%; 37 homozygotes.

Submissions (10):

Labcorp Genetics (formerly Invitae), Labcorp
Classification: Benign for Neuroblastoma, susceptibility to, 3. Last evaluated: 2026-02-03. Review status: criteria provided, single submitter. Criteria: Invitae Variant Classification Sherloc (09022015). Collection method: clinical testing. Allele origin: germline.

Mayo Clinic Laboratories, Mayo Clinic
Classification: Likely benign. Last evaluated: 2025-05-03. Review status: criteria provided, single submitter. Criteria: ACMG Guidelines, 2015. Collection method: clinical testing. Allele origin: germline. Observed: 2 variant alleles.
Comment: BS1, BP4, BP7

ARUP Laboratories, Molecular Genetics and Genomics, ARUP Laboratories
Classification: Benign for Neuroblastoma, susceptibility to, 3. Last evaluated: 2023-11-28. Review status: criteria provided, single submitter. Criteria: ARUP Molecular Germline Variant Investigation Process 2024. Collection method: clinical testing. Allele origin: germline.

KCCC/NGS Laboratory, Kuwait Cancer Control Center
Classification: Benign for Neuroblastoma, susceptibility to, 3. Last evaluated: 2023-07-07. Review status: criteria provided, single submitter. Criteria: ACMG Guidelines, 2015. Collection method: clinical testing. Allele origin: germline. Affected: yes.

Women's Health and Genetics/Laboratory Corporation of America, LabCorp
Classification: Benign. Last evaluated: 2020-11-06. Review status: criteria provided, single submitter. Criteria: LabCorp Variant Classification Summary - May 2015. Collection method: clinical testing. Allele origin: germline.

Ambry Genetics
Classification: Benign for Hereditary cancer-predisposing syndrome. Last evaluated: 2018-10-08. Review status: criteria provided, single submitter. Criteria: Ambry Variant Classification Scheme 2023. Collection method: clinical testing. Allele origin: germline.

Illumina Laboratory Services, Illumina
Classification: Benign for Neuroblastoma, susceptibility to, 3. Last evaluated: 2018-01-12. Review status: criteria provided, single submitter. Criteria: ICSL Variant Classification Criteria 13 December 2019. Collection method: clinical testing. Allele origin: germline.
Comment: This variant was observed in the ICSL laboratory as part of a predisposition screen in an ostensibly healthy population. It had not been previously curated by ICSL or reported in the Human Gene Mutation Database (HGMD: prior to June 1st, 2018), and was therefore a candidate for classification through an automated scoring system. Utilizing variant allele frequency, disease prevalence and penetrance estimates, and inheritance mode, an automated score was calculated to assess if this variant is too frequent to cause the disease. Based on the score and internal cut-off values, a variant classified as benign is not then subjected to further curation. The score for this variant resulted in a classification of benign for this disease.

GeneDx
Classification: Benign. Last evaluated: 2017-10-20. Review status: criteria provided, single submitter. Criteria: GeneDx Variant Classification (06012015). Collection method: clinical testing. Allele origin: germline. Affected: yes.
Comment: This variant is considered likely benign or benign based on one or more of the following criteria: it is a conservative change, it occurs at a poorly conserved position in the protein, it is predicted to be benign by multiple in silico algorithms, and/or has population frequency not consistent with disease.

Breakthrough Genomics
Classification: Benign. Review status: criteria provided, single submitter. Criteria: ACMG Guidelines, 2015. Collection method: not provided. Allele origin: germline. Inheritance: Unknown mechanism. Affected: yes.

PreventionGenetics, part of Exact Sciences
Classification: Benign for ALK-related condition. Last evaluated: 2019-06-28. Review status: no assertion criteria provided. Collection method: clinical testing. Allele origin: germline. Not counted in ClinVar's aggregate classification.
Comment: This variant is classified as benign based on ACMG/AMP sequence variant interpretation guidelines (Richards et al. 2015 PMID: 25741868, with internal and published modifications).